The following is an entry in ClinVar:

ClinVar aggregate classification (germline): Uncertain significance. Review status: criteria provided, multiple submitters, no conflicts (2 of 4 stars). 2 submissions from 2 submitters: Uncertain significance (2). Last evaluated 2025-09-26.

Submissions (2):

Ambry Genetics
Classification: Uncertain significance. Last evaluated: 2025-09-26. Review status: criteria provided, single submitter. Criteria: Ambry Variant Classification Scheme 2023. Collection method: clinical testing. Allele origin: germline.

Labcorp Genetics (formerly Invitae), Labcorp
Classification: Uncertain significance. Last evaluated: 2025-09-04. Review status: criteria provided, single submitter. Criteria: Invitae Variant Classification Sherloc (09022015). Collection method: clinical testing. Allele origin: germline.
Comment: This sequence change replaces proline, which is neutral and non-polar, with serine, which is neutral and polar, at codon 274 of the GPR88 protein (p.Pro274Ser). This variant is not present in population databases (gnomAD no frequency). This variant has not been reported in the literature in individuals affected with GPR88-related conditions. Experimental studies and prediction algorithms are not available or were not evaluated, and the functional significance of this variant is currently unknown. In summary, the available evidence is currently insufficient to determine the role of this variant in disease. Therefore, it has been classified as a Variant of Uncertain Significance.

NM_022049.3(GPR88):c.820C>T (p.Pro274Ser)

Gene: GPR88 (G protein-coupled receptor 88; plus strand). Cytogenetic location: 1p21.2.
Variant type: single nucleotide variant.
Coding change: c.820C>T on transcript NM_022049.3 (MANE Select); coding-DNA position 820, C replaced by T.
Protein change: p.Pro274Ser; replaces proline 274 with serine.
Molecular consequence: missense variant.
Genome position (GRCh38, 1-based): chr1:100,539,786, C>T. VCF-style: chr1-100539786-C-T. GRCh37 (hg19) VCF-style: chr1-101005342-C-T.
Other names: short protein forms P274S.
Identifiers: ClinVar variation 4673456 (VCV004673456.2).
Genomic context (GRCh38, chr1:100,539,786, plus strand): 5'-CCGGGCCCCGGTGGCGCCGCGCACCCGGCGCAGGCCCAGCCCCTGCCGCCCGCGCTGCAC[C>T]CGCGGCGGGCACAGCGGCGTCTCAGCGGCCTGTCGGTGCTGCTGCTCTGCTGCGTCTTCC-3'
Protein context (NP_071332.2, residues 264-284): QAQPLPPALH[Pro274Ser]RRAQRRLSGL